The following is an entry in ClinVar:

ClinVar aggregate classification (germline): Uncertain significance (1 of 4 stars; one submission).

Conditions:
Intellectual developmental disorder, autosomal recessive 58. Also called: Intellectual disability, autosomal recessive 58. Identifiers: MedGen C4310641, MONDO:0014996, OMIM 617270.

Submission:

GeneDx
Classification: Uncertain significance. Last evaluated: 2022-06-07. Review status: criteria provided, single submitter. Criteria: GeneDx Variant Classification Process June 2021. Collection method: clinical testing. Allele origin: germline. Affected: yes.
Comment: Not observed in large population cohorts (gnomAD); In silico analysis supports that this missense variant does not alter protein structure/function; Has not been previously published as pathogenic or benign to our knowledge

NM_018255.4(ELP2):c.454C>A (p.Leu152Ile)

Gene: ELP2 (elongator acetyltransferase complex subunit 2; plus strand). Cytogenetic location: 18q12.2.
Variant type: single nucleotide variant.
Coding change: c.454C>A on transcript NM_018255.4 (MANE Select); coding-DNA position 454, C replaced by A.
Protein change: p.Leu152Ile; replaces leucine 152 with isoleucine.
Molecular consequence: missense variant. On other transcripts: non-coding transcript variant (4), intron variant (5).
Genome position (GRCh38, 1-based): chr18:36,138,803, C>A. VCF-style: chr18-36138803-C-A. GRCh37 (hg19) VCF-style: chr18-33718766-C-A.
Other names: c.454C>A, p.Leu152Ile (NM_001242875.3, NM_001324465.2, NM_001324467.2); c.7C>A, p.Leu3Ile (NM_001324468.2); c.445+377C>A (NM_001324466.2, NM_001242876.3, NM_001242877.3 and 2 more transcripts); short protein forms L152I, L3I.
Identifiers: ClinVar variation 1339828 (VCV001339828.6), dbSNP rs2144603879, ClinGen allele CA402202236.
Genomic context (GRCh38, chr18:36,138,803, plus strand): 5'-GGATAAGCTCTGAGGTAGTTAGTTGTTCATTGTGTTTTTTATTATTTCTTAGTAATGTGC[C>A]TTCAGACTTTAAACTTTGGAAATGGATTTGCTTTGGCTCTCTGCTTATCTTTTTTGCCAA-3'
Protein context (NP_060725.1, residues 142-162): WSKKGPEVMC[Leu152Ile]QTLNFGNGFA